The following is an entry in ClinVar:

NM_005476.7(GNE):c.164+1G>T

Gene: GNE (glucosamine (UDP-N-acetyl)-2-epimerase/N-acetylmannosamine kinase; minus strand). Cytogenetic location: 9p13.3.
Variant type: single nucleotide variant.
Coding change: c.164+1G>T on transcript NM_005476.7 (MANE Select); the canonical splice donor site of the intron after coding-DNA position 164, G replaced by T.
Molecular consequence: splice donor variant. On other transcripts: intron variant (3).
Genome position (GRCh38, 1-based): chr9:36,249,191, C>A on the plus strand (G>T on the coding strand, the complement: GNE is on the minus strand). VCF-style: chr9-36249191-C-A. GRCh37 (hg19) VCF-style: chr9-36249188-C-A.
Other names: c.-13-2709G>T (NM_001190388.2, NM_001190384.3, NM_001374798.1); c.257+1G>T (NM_001128227.3); c.164+1G>T (NM_001374797.1, NM_001190383.3).
Identifiers: ClinVar variation 4814608 (VCV004814608.1).
Genomic context (GRCh38, chr9:36,249,191, plus strand): 5'-AAACCCAAGCTCCTTCTAGCACACTGTTGCAATGAAGAATAAGAAAATGCTTTCATCTTA[C>A]CCATAGTCATCTATCAGGTGAGAGCCAAGTACCACAACATCAAGTTCAAAGAACTCAGGT-3'

ClinVar aggregate classification (germline): Likely pathogenic (1 of 4 stars; one submission).

Conditions:
GNE myopathy (NM). Also called: MYOPATHY, DISTAL, WITH OR WITHOUT RIMMED VACUOLES; IBM 2; Inclusion body myopathy autosomal recessive; Inclusion body myopathy quadriceps sparing; NONAKA DISTAL MYOPATHY; INCLUSION BODY MYOPATHY, HEREDITARY, AUTOSOMAL RECESSIVE. Identifiers: Orphanet 602, MedGen C1853926, MONDO:0011603, OMIM 605820.

Submission:

Natera, Inc.
Classification: Likely pathogenic for Nonaka myopathy. Last evaluated: 2024-04-25. Review status: criteria provided, single submitter. Criteria: Natera Variant Classification Schema (03/2026). Collection method: clinical testing. Allele origin: germline.
Comment: The c.257+1G>T variant in GNE is a canonical splice donor site variant predicted to affect pre-mRNA splicing, which may result in an abnormal transcript and altered protein product. This variant is expected to result in nonsense mediated decay, truncation, or a dysfunctional protein product. This variant is rare in the general population with a frequency below the threshold expected for the associated phenotype(s). Given the available evidence, this variant is classified as Likely Pathogenic.